The following is an entry in ClinVar:

ClinVar aggregate classification (germline): Uncertain significance. Review status: criteria provided, multiple submitters, no conflicts (2 of 4 stars). 2 submissions from 2 submitters: Uncertain significance (2). Last evaluated 2024-12-19.

Submissions (2):

Labcorp Genetics (formerly Invitae), Labcorp
Classification: Uncertain significance. Last evaluated: 2024-12-19. Review status: criteria provided, single submitter. Criteria: Invitae Variant Classification Sherloc (09022015). Collection method: clinical testing. Allele origin: germline.
Comment: This sequence change replaces glutamine, which is neutral and polar, with glutamic acid, which is acidic and polar, at codon 329 of the LZTS1 protein (p.Gln329Glu). This variant is not present in population databases (gnomAD no frequency). This variant has not been reported in the literature in individuals affected with LZTS1-related conditions. ClinVar contains an entry for this variant (Variation ID: 2606162). Invitae Evidence Modeling of protein sequence and biophysical properties (such as structural, functional, and spatial information, amino acid conservation, physicochemical variation, residue mobility, and thermodynamic stability) indicates that this missense variant is expected to disrupt LZTS1 protein function with a positive predictive value of 80%. In summary, the available evidence is currently insufficient to determine the role of this variant in disease. Therefore, it has been classified as a Variant of Uncertain Significance.

Ambry Genetics
Classification: Uncertain significance. Last evaluated: 2023-06-23. Review status: criteria provided, single submitter. Criteria: Ambry Variant Classification Scheme 2023. Collection method: clinical testing. Allele origin: germline.

NM_021020.5(LZTS1):c.985C>G (p.Gln329Glu)

Gene: LZTS1 (leucine zipper tumor suppressor 1; minus strand). Cytogenetic location: 8p21.3.
Variant type: single nucleotide variant.
Coding change: c.985C>G on transcript NM_021020.5 (MANE Select); coding-DNA position 985, C replaced by G.
Protein change: p.Gln329Glu; replaces glutamine 329 with glutamic acid.
Molecular consequence: missense variant.
Genome position (GRCh38, 1-based): chr8:20,252,946, G>C on the plus strand (C>G on the coding strand, the complement: LZTS1 is on the minus strand). VCF-style: chr8-20252946-G-C. GRCh37 (hg19) VCF-style: chr8-20110457-G-C.
Other names: c.985C>G, p.Gln329Glu (NM_001362884.2); short protein forms Q329E.
Identifiers: ClinVar variation 2606162 (VCV002606162.4), dbSNP rs2486310228, ClinGen allele CA370477117.